The following is an entry in ClinVar:

ClinVar aggregate classification (germline): Uncertain significance (1 of 4 stars; one submission).

Submission:

Labcorp Genetics (formerly Invitae), Labcorp
Classification: Uncertain significance. Last evaluated: 2023-10-05. Review status: criteria provided, single submitter. Criteria: Invitae Variant Classification Sherloc (09022015). Collection method: clinical testing. Allele origin: unknown.
Comment: This variant is a gross deletion of the genomic region encompassing exon(s) 13-15 of the NBAS gene. This variant would be expected to be in-frame, preserving the integrity of the reading frame. This variant has not been reported in the literature in individuals affected with NBAS-related conditions. This variant disrupts a region of the NBAS protein in which other variant(s) (p.Arg517Cys) have been observed in individuals with NBAS-related conditions (PMID: 31761904, 33542026, 33707149, 34288298). This suggests that this is a clinically significant region of the protein, and that variants that disrupt it are likely to be disease-causing. In summary, the available evidence is currently insufficient to determine the role of this variant in disease. Therefore, it has been classified as a Variant of Uncertain Significance.

Literature cited by the submitters: PubMed 31761904; PubMed 33542026; PubMed 33707149; PubMed 34288298.

NC_000002.11:g.(?_15614171)_(15618433_?)del

Gene: NBAS (NBAS subunit of NRZ tethering complex; minus strand). Cytogenetic location: 2p24.3.
Variant type: Deletion.
Identifiers: ClinVar variation 3247556 (VCV003247556.1).